The following is an entry in ClinVar:

NM_000136.3(FANCC):c.1253C>G (p.Pro418Arg)

Genes: AOPEP (aminopeptidase O (putative); plus strand), FANCC (FA complementation group C; minus strand). Cytogenetic location: 9q22.32.
Variant type: single nucleotide variant.
Coding change: c.1253C>G on transcript NM_000136.3 (MANE Select); coding-DNA position 1253, C replaced by G.
Protein change: p.Pro418Arg; replaces proline 418 with arginine.
Molecular consequence: missense variant.
Genome position (GRCh38, 1-based): chr9:95,111,539, G>C on the plus strand (C>G on the coding strand, the complement: FANCC is on the minus strand). VCF-style: chr9-95111539-G-C. GRCh37 (hg19) VCF-style: chr9-97873821-G-C.
Other names: c.1253C>G, p.Pro418Arg (NM_001243743.2, NM_001243744.2); short protein forms P418R.
Identifiers: ClinVar variation 1761246 (VCV001761246.2), dbSNP rs772223845, ClinGen allele CA374107370.

ClinVar aggregate classification (germline): Uncertain significance (1 of 4 stars; one submission).

Conditions:
Hereditary cancer-predisposing syndrome. Also called: Neoplastic Syndromes, Hereditary; Tumor predisposition; Hereditary Cancer Syndrome; Hereditary neoplastic syndrome. Identifiers: Orphanet 140162, MedGen C0027672, MeSH D009386, MONDO:0015356.

Submission:

Ambry Genetics
Classification: Uncertain significance for Hereditary cancer-predisposing syndrome. Last evaluated: 2022-02-12. Review status: criteria provided, single submitter. Criteria: Ambry Variant Classification Scheme 2023. Collection method: clinical testing. Allele origin: germline.
Comment: The p.P418R variant (also known as c.1253C>G), located in coding exon 12 of the FANCC gene, results from a C to G substitution at nucleotide position 1253. The proline at codon 418 is replaced by arginine, an amino acid with dissimilar properties. This amino acid position is conserved. In addition, this alteration is predicted to be tolerated by in silico analysis. Since supporting evidence is limited at this time, the clinical significance of this alteration remains unclear.